The following is an entry in ClinVar:

NM_001134831.2(AHI1):c.3055_3056del (p.Ser1019fs)

Gene: AHI1 (Abelson helper integration site 1; minus strand). Cytogenetic location: 6q23.3.
Variant type: Deletion.
Coding change: c.3055_3056del on transcript NM_001134831.2 (MANE Select); coding-DNA positions 3055 to 3056, 2 bases deleted (TC; older notation c.3055_3056delTC).
Protein change: p.Ser1019fs; shifts the reading frame from serine 1019.
Molecular consequence: frameshift variant.
Genome position (GRCh38, 1-based): chr6:135,394,829-135,394,830, GA deleted on the plus strand (TC on the coding strand, the reverse complement: AHI1 is on the minus strand). VCF-style (leftmost placement, unchanged base first): chr6-135394828-TGA-T. GRCh37 (hg19) VCF-style: chr6-135715966-TGA-T.
Other names: c.3055_3056del, p.Ser1019fs (NM_001134830.2, NM_001134832.2, NM_001350503.2 and 2 more transcripts); short protein forms S1019fs.
Identifiers: ClinVar variation 2701064 (VCV002701064.3), dbSNP rs2484036120, ClinGen allele CA2697553749.

ClinVar aggregate classification (germline): Pathogenic (1 of 4 stars; one submission).

Conditions:
Joubert syndrome. Also called: CEREBELLOPARENCHYMAL DISORDER IV; JOUBERT-BOLTSHAUSER SYNDROME; Familial aplasia of the vermis. Identifiers: Orphanet 475, MedGen C5979921, MONDO:0018772.

Submission:

Labcorp Genetics (formerly Invitae), Labcorp
Classification: Pathogenic for Joubert syndrome. Last evaluated: 2023-12-27. Review status: criteria provided, single submitter. Criteria: Invitae Variant Classification Sherloc (09022015). Collection method: clinical testing. Allele origin: germline.
Comment: This sequence change creates a premature translational stop signal (p.Ser1019Lysfs*28) in the AHI1 gene. It is expected to result in an absent or disrupted protein product. Loss-of-function variants in AHI1 are known to be pathogenic (PMID: 15322546, 16453322, 28442542, 29186038). This variant is not present in population databases (gnomAD no frequency). This variant has not been reported in the literature in individuals affected with AHI1-related conditions. For these reasons, this variant has been classified as Pathogenic.

Literature cited by the submitters: PubMed 15322546; PubMed 16453322; PubMed 28442542; PubMed 29186038.